The following is an entry in ClinVar:

ClinVar aggregate classification (germline): Uncertain significance (1 of 4 stars; one submission).

Allele frequency attached by ClinVar (database versions not stated): gnomAD exomes below 0.00001.
gnomAD v4.1: 1 of 1,613,032 alleles (0.000062%); highest among the groups gnomAD compares: Non-Finnish European, 0.000085%; no homozygotes.

Submission:

Labcorp Genetics (formerly Invitae), Labcorp
Classification: Uncertain significance. Last evaluated: 2022-01-25. Review status: criteria provided, single submitter. Criteria: Invitae Variant Classification Sherloc (09022015). Collection method: clinical testing. Allele origin: germline.
Comment: In summary, the available evidence is currently insufficient to determine the role of this variant in disease. Therefore, it has been classified as a Variant of Uncertain Significance. Algorithms developed to predict the effect of missense changes on protein structure and function (SIFT, PolyPhen-2, Align-GVGD) all suggest that this variant is likely to be tolerated. This variant has not been reported in the literature in individuals affected with CFAP410-related conditions. This variant is not present in population databases (gnomAD no frequency). This sequence change replaces leucine, which is neutral and non-polar, with proline, which is neutral and non-polar, at codon 164 of the CFAP410 protein (p.Leu164Pro).

NM_004928.3(CFAP410):c.491T>C (p.Leu164Pro)

Gene: CFAP410 (cilia and flagella associated protein 410; minus strand). Cytogenetic location: 21q22.3.
Variant type: single nucleotide variant.
Coding change: c.491T>C on transcript NM_004928.3 (MANE Select); coding-DNA position 491, T replaced by C.
Protein change: p.Leu164Pro; replaces leucine 164 with proline.
Molecular consequence: missense variant.
Genome position (GRCh38, 1-based): chr21:44,331,897, A>G on the plus strand (T>C on the coding strand, the complement: CFAP410 is on the minus strand). VCF-style: chr21-44331897-A-G. GRCh37 (hg19) VCF-style: chr21-45751780-A-G.
Other names: c.491T>C, p.Leu164Pro (NM_001271440.2, NM_001271441.2); c.368T>C, p.Leu123Pro (NM_001271442.1); short protein forms L123P, L164P.
Identifiers: ClinVar variation 2073359 (VCV002073359.4), dbSNP rs2518047503, ClinGen allele CA410453718.
Genomic context (GRCh38, chr21:44,331,897, plus strand): 5'-CCTCACGTTGCCTCCTCCTCGCTGTCCAGCGGGTCCCGGCCAGTCTCAGCAGCGGAGCTG[A>G]GGGAGCTCAGTGTGCAGCATAGCTTGGGGCCGCCGTGGCCTGTGCCCTCTCTCTCTGGGG-3'
Protein context (NP_004919.1, residues 154-174): GPKLCCTLSS[Leu164Pro]SSAAETGRDP